The following is an entry in ClinVar:

NM_000702.4(ATP1A2):c.1966G>A (p.Glu656Lys)

Gene: ATP1A2 (ATPase Na+/K+ transporting subunit alpha 2; plus strand). Cytogenetic location: 1q23.2.
Variant type: single nucleotide variant.
Coding change: c.1966G>A on transcript NM_000702.4 (MANE Select); coding-DNA position 1966, G replaced by A.
Protein change: p.Glu656Lys; replaces glutamic acid 656 with lysine.
Molecular consequence: missense variant.
Genome position (GRCh38, 1-based): chr1:160,135,146, G>A. VCF-style: chr1-160135146-G-A. GRCh37 (hg19) VCF-style: chr1-160104936-G-A.
Other names: short protein forms E656K.
Identifiers: ClinVar variation 2793606 (VCV002793606.3), dbSNP rs2524885977, ClinGen allele CA343247538.

ClinVar aggregate classification (germline): Uncertain significance (1 of 4 stars; one submission).

Conditions:
Familial hemiplegic migraine. Identifiers: MedGen C0338484, MONDO:0000700.

Submission:

Labcorp Genetics (formerly Invitae), Labcorp
Classification: Uncertain significance for Familial hemiplegic migraine. Last evaluated: 2023-05-20. Review status: criteria provided, single submitter. Criteria: Invitae Variant Classification Sherloc (09022015). Collection method: clinical testing. Allele origin: germline.
Comment: In summary, the available evidence is currently insufficient to determine the role of this variant in disease. Therefore, it has been classified as a Variant of Uncertain Significance. An algorithm developed to predict the effect of missense changes on protein structure and function (PolyPhen-2) suggests that this variant is likely to be tolerated. This variant has not been reported in the literature in individuals affected with ATP1A2-related conditions. This variant is not present in population databases (gnomAD no frequency). This sequence change replaces glutamic acid, which is acidic and polar, with lysine, which is basic and polar, at codon 656 of the ATP1A2 protein (p.Glu656Lys).